The following is an entry in ClinVar:

NM_001378454.1(ALMS1):c.4823C>T (p.Thr1608Ile)

Gene: ALMS1 (ALMS1 centrosome and basal body associated protein; plus strand). Cytogenetic location: 2p13.1.
Variant type: single nucleotide variant.
Coding change: c.4823C>T on transcript NM_001378454.1 (MANE Select); coding-DNA position 4823, C replaced by T.
Protein change: p.Thr1608Ile; replaces threonine 1608 with isoleucine.
Molecular consequence: missense variant.
Genome position (GRCh38, 1-based): chr2:73,451,350, C>T. VCF-style: chr2-73451350-C-T. GRCh37 (hg19) VCF-style: chr2-73678477-C-T.
Other names: c.4826C>T, p.Thr1609Ile (NM_015120.4); short protein forms T1609I, T1608I.
Identifiers: ClinVar variation 1743384 (VCV001743384.2), dbSNP rs2466102938, ClinGen allele CA347279339.

ClinVar aggregate classification (germline): Uncertain significance (1 of 4 stars; one submission).

Conditions:
Cardiovascular phenotype. Identifiers: MedGen CN230736.

Submission:

Ambry Genetics
Classification: Uncertain significance for Cardiovascular phenotype. Last evaluated: 2022-02-15. Review status: criteria provided, single submitter. Criteria: Ambry Variant Classification Scheme 2023. Collection method: clinical testing. Allele origin: germline.
Comment: The p.T1609I variant (also known as c.4826C>T), located in coding exon 8 of the ALMS1 gene, results from a C to T substitution at nucleotide position 4826. The threonine at codon 1609 is replaced by isoleucine, an amino acid with similar properties. This amino acid position is not well conserved in available vertebrate species. In addition, this alteration is predicted to be tolerated by in silico analysis. Since supporting evidence is limited at this time, the clinical significance of this alteration remains unclear.